The following is an entry in ClinVar:

NM_021096.4(CACNA1I):c.6337G>C (p.Gly2113Arg)

Gene: CACNA1I (calcium voltage-gated channel subunit alpha1 I; plus strand). Cytogenetic location: 22q13.1.
Variant type: single nucleotide variant.
Coding change: c.6337G>C on transcript NM_021096.4 (MANE Select); coding-DNA position 6337, G replaced by C.
Protein change: p.Gly2113Arg; replaces glycine 2113 with arginine.
Molecular consequence: missense variant.
Genome position (GRCh38, 1-based): chr22:39,686,070, G>C. VCF-style: chr22-39686070-G-C. GRCh37 (hg19) VCF-style: chr22-40082075-G-C.
Other names: c.6232G>C, p.Gly2078Arg (NM_001003406.2); short protein forms G2078R, G2113R.
Identifiers: ClinVar variation 5018424 (VCV005018424.1).

ClinVar aggregate classification (germline): Uncertain significance (1 of 4 stars; one submission).

gnomAD v4.1: 1 of 1,237,186 alleles (0.000081%); no homozygotes.

Submission:

GeneDx
Classification: Uncertain significance. Last evaluated: 2026-04-11. Review status: criteria provided, single submitter. Criteria: GeneDx Variant Classification Process June 2021. Collection method: clinical testing. Allele origin: germline.
Comment: Not observed at significant frequency in large population cohorts (gnomAD); In silico analysis suggests that this missense variant does not alter protein structure/function; Has not been previously published as pathogenic or benign to our knowledge